The following is an entry in ClinVar:

ClinVar aggregate classification (germline): Likely benign. Review status: criteria provided, multiple submitters, no conflicts (2 of 4 stars). 4 submissions from 4 submitters: Likely benign (3). 1 of the submissions does not count toward it. Last evaluated 2026-01-06.

Conditions:
Inborn genetic diseases. Identifiers: MedGen C0950123, MeSH D030342.
Cohen syndrome (COH1). Also called: Cutis verticis gyrata, retinitis pigmentosa, and sensorineural deafness; PEPPER SYNDROME. Identifiers: Orphanet 193, MedGen C0265223, MONDO:0008999, OMIM 216550.
VPS13B-related disorder. Also called: VPS13B-related condition.

Allele frequency attached by ClinVar (database versions not stated): gnomAD 0.00001; gnomAD exomes 0.00003 and 0.00009; ExAC 0.00014; 1000 Genomes Project 30x 0.00016; 1000 Genomes Project 0.00020.
gnomAD v4.1: 50 of 1,613,756 alleles (0.0031%); highest among the groups gnomAD compares: South Asian, 0.049%; no homozygotes.

Submissions (4):

Labcorp Genetics (formerly Invitae), Labcorp
Classification: Likely benign for Cohen syndrome. Last evaluated: 2026-01-06. Review status: criteria provided, single submitter. Criteria: Invitae Variant Classification Sherloc (09022015). Collection method: clinical testing. Allele origin: germline.

PreventionGenetics, part of Exact Sciences
Classification: Likely benign for VPS13B-related condition. Last evaluated: 2025-01-29. Review status: criteria provided, single submitter. Criteria: ACMG Guidelines, 2015. Collection method: clinical testing. Allele origin: germline.
Comment: This variant is classified as likely benign based on ACMG/AMP sequence variant interpretation guidelines (Richards et al. 2015 PMID: 25741868, with internal and published modifications).

Ambry Genetics
Classification: Likely benign for Inborn genetic diseases. Last evaluated: 2019-10-23. Review status: criteria provided, single submitter. Criteria: Ambry Variant Classification Scheme 2023. Collection method: clinical testing. Allele origin: germline.

Natera, Inc.
Classification: Likely benign for Cohen syndrome. Last evaluated: 2019-10-25. Review status: no assertion criteria provided. Collection method: clinical testing. Allele origin: germline. Not counted in ClinVar's aggregate classification.

NM_152564.5(VPS13B):c.9039G>A (p.Val3013=)

Gene: VPS13B (vacuolar protein sorting 13 homolog B; plus strand). Cytogenetic location: 8q22.2.
Variant type: single nucleotide variant.
Coding change: c.9039G>A on transcript NM_152564.5 (MANE Select); coding-DNA position 9039, G replaced by A.
Protein change: p.Val3013=; no amino-acid change (valine 3013 retained).
Molecular consequence: synonymous variant.
Genome position (GRCh38, 1-based): chr8:99,821,338, G>A. VCF-style: chr8-99821338-G-A. GRCh37 (hg19) VCF-style: chr8-100833566-G-A.
Other names: c.9114G>A (NM_017890.3); c.9114G>A, p.Val3038= (NM_017890.5); c.9039G>A (NM_152564.4).
Identifiers: ClinVar variation 1116466 (VCV001116466.15), dbSNP rs542823658, ClinGen allele CA4824612.
Genomic context (GRCh38, chr8:99,821,338, plus strand): 5'-GGCATTATTTTTCCAGGAAGCTTTTCAAATTGGAATATACTGGGCAAATACAAACACTGT[G>A]CACAAGTCAGTAGCAATTAAACTGGTCCATAACCTGACATCTCCAAAGTGGAAAGATGGA-3'
Protein context (NP_689777.3, residues 3003-3023): IGIYWANTNT[Val3013=]HKSVAIKLVH